The following is an entry in ClinVar:

ClinVar aggregate classification (germline): Uncertain significance (1 of 4 stars; one submission).

gnomAD v4.1: 1 of 1,610,112 alleles (0.000062%); highest among the groups gnomAD compares: Non-Finnish European, 0.000085%; no homozygotes.

Submission:

Labcorp Genetics (formerly Invitae), Labcorp
Classification: Uncertain significance. Last evaluated: 2024-12-31. Review status: criteria provided, single submitter. Criteria: Invitae Variant Classification Sherloc (09022015). Collection method: clinical testing. Allele origin: germline.
Comment: This sequence change replaces serine, which is neutral and polar, with arginine, which is basic and polar, at codon 5 of the KLHL3 protein (p.Ser5Arg). This variant is not present in population databases (gnomAD no frequency). This variant has not been reported in the literature in individuals affected with KLHL3-related conditions. An algorithm developed to predict the effect of missense changes on protein structure and function (PolyPhen-2) suggests that this variant is likely to be tolerated. In summary, the available evidence is currently insufficient to determine the role of this variant in disease. Therefore, it has been classified as a Variant of Uncertain Significance.

NM_017415.3(KLHL3):c.13A>C (p.Ser5Arg)

Gene: KLHL3 (kelch like family member 3; minus strand). Cytogenetic location: 5q31.2.
Variant type: single nucleotide variant.
Coding change: c.13A>C on transcript NM_017415.3 (MANE Select); coding-DNA position 13, A replaced by C.
Protein change: p.Ser5Arg; replaces serine 5 with arginine.
Molecular consequence: missense variant.
Genome position (GRCh38, 1-based): chr5:137,735,634, T>G on the plus strand (A>C on the coding strand, the complement: KLHL3 is on the minus strand). VCF-style: chr5-137735634-T-G. GRCh37 (hg19) VCF-style: chr5-137071323-T-G.
Other names: short protein forms S5R.
Identifiers: ClinVar variation 3727926 (VCV003727926.2).
Genomic context (GRCh38, chr5:137,735,634, plus strand): 5'-CGCAAGCACACATACACTTACATACACACACAACACAGCACACACTTATACATACATACC[T>G]TTCACCCTCCATTGTGTGAGGCCCAGCCAGGGTGGTAGCTGCTGAACTGTGTATGCACTC-3'
Protein context (NP_059111.2, residues 1-15): MEGE[Ser5Arg]VKLSSQTLIQ